The following is an entry in ClinVar:

ClinVar aggregate classification (germline): Uncertain significance (1 of 4 stars; one submission).

gnomAD v4.1: 1 of 1,614,030 alleles (0.000062%); highest among the groups gnomAD compares: Admixed American, 0.0017%; no homozygotes.

Submission:

Labcorp Genetics (formerly Invitae), Labcorp
Classification: Uncertain significance. Last evaluated: 2025-10-06. Review status: criteria provided, single submitter. Criteria: Invitae Variant Classification Sherloc (09022015). Collection method: clinical testing. Allele origin: germline.
Comment: This sequence change replaces serine, which is neutral and polar, with asparagine, which is neutral and polar, at codon 458 of the ADAMTSL4 protein (p.Ser458Asn). This variant is not present in population databases (gnomAD no frequency). This variant has not been reported in the literature in individuals affected with ADAMTSL4-related conditions. An algorithm developed to predict the effect of missense changes on protein structure and function (PolyPhen-2) suggests that this variant is likely to be disruptive. In summary, the available evidence is currently insufficient to determine the role of this variant in disease. Therefore, it has been classified as a Variant of Uncertain Significance.

NM_019032.6(ADAMTSL4):c.1373G>A (p.Ser458Asn)

Genes: ADAMTSL4 (ADAMTS like 4; plus strand), ADAMTSL4-AS2 (ADAMTSL4 antisense RNA 2; minus strand). Cytogenetic location: 1q21.2.
Variant type: single nucleotide variant.
Coding change: c.1373G>A on transcript NM_019032.6 (MANE Select); coding-DNA position 1373, G replaced by A.
Protein change: p.Ser458Asn; replaces serine 458 with asparagine.
Molecular consequence: missense variant. On other transcripts: non-coding transcript variant (2).
Genome position (GRCh38, 1-based): chr1:150,556,163, G>A. VCF-style: chr1-150556163-G-A. GRCh37 (hg19) VCF-style: chr1-150528639-G-A.
Other names: c.1442G>A, p.Ser481Asn (NM_001288607.2, NM_001288608.2); c.1373G>A, p.Ser458Asn (NM_001378596.1, NM_025008.5); short protein forms S481N, S458N.
Identifiers: ClinVar variation 4774131 (VCV004774131.1).